The following is an entry in ClinVar:

NM_001297.5(CNGB1):c.2662G>A (p.Ala888Thr)

Gene: CNGB1 (cyclic nucleotide gated channel subunit beta 1; minus strand). Cytogenetic location: 16q21.
Variant type: single nucleotide variant.
Coding change: c.2662G>A on transcript NM_001297.5 (MANE Select); coding-DNA position 2662, G replaced by A.
Protein change: p.Ala888Thr; replaces alanine 888 with threonine.
Molecular consequence: missense variant.
Genome position (GRCh38, 1-based): chr16:57,903,954, C>T on the plus strand (G>A on the coding strand, the complement: CNGB1 is on the minus strand). VCF-style: chr16-57903954-C-T. GRCh37 (hg19) VCF-style: chr16-57937858-C-T.
Other names: c.2644G>A, p.Ala882Thr (NM_001286130.2); short protein forms A888T, A882T.
Identifiers: ClinVar variation 843111 (VCV000843111.15), dbSNP rs368328328, ClinGen allele CA8082864.

ClinVar aggregate classification (germline): Conflicting classifications of pathogenicity. Review status: criteria provided, conflicting classifications (1 of 4 stars). 6 submissions from 6 submitters: Likely pathogenic (2); Uncertain significance (3). 1 of the submissions does not count toward it. Last evaluated 2025-05-23.

Conditions:
Retinitis pigmentosa (RP). Identifiers: Orphanet 791, MedGen C0035334, MeSH D012174, MONDO:0019200, OMIM 268000. Inheritance: Autosomal dominant, autosomal recessive and X linked inheritance.
Retinitis pigmentosa 45 (RP45). Identifiers: Orphanet 791, MedGen C3151066, MONDO:0013413, OMIM 613767.

Allele frequency attached by ClinVar (database versions not stated): TOPMed 0.00007; ESP Exome Variant Server 0.00008; gnomAD 0.00009 and 0.00011; gnomAD exomes 0.00014 and 0.00024; ExAC 0.00023.
gnomAD v4.1: 237 of 1,613,882 alleles (0.015%); highest among the groups gnomAD compares: South Asian, 0.13%; no homozygotes.

Submissions (6):

First Genomix Gene Laboratory, Genetic Diagnostics Department
Classification: Likely pathogenic for Retinitis pigmentosa 45. Last evaluated: 2025-05-23. Review status: criteria provided, single submitter. Criteria: ACMG Guidelines, 2015. Collection method: clinical testing. Allele origin: germline. Inheritance: Autosomal recessive inheritance. Affected: no. Observed: 1 variant allele.

Blueprint Genetics
Classification: Uncertain significance. Last evaluated: 2024-03-05. Review status: criteria provided, single submitter. Criteria: ACMG Guidelines, 2015. Collection method: clinical testing. Allele origin: germline.

Labcorp Genetics (formerly Invitae), Labcorp
Classification: Uncertain significance. Last evaluated: 2022-10-08. Review status: criteria provided, single submitter. Criteria: Invitae Variant Classification Sherloc (09022015). Collection method: clinical testing. Allele origin: germline.
Comment: This sequence change replaces alanine, which is neutral and non-polar, with threonine, which is neutral and polar, at codon 888 of the CNGB1 protein (p.Ala888Thr). This variant is present in population databases (rs368328328, gnomAD 0.1%). This variant has not been reported in the literature in individuals affected with CNGB1-related conditions. ClinVar contains an entry for this variant (Variation ID: 843111). Advanced modeling of protein sequence and biophysical properties (such as structural, functional, and spatial information, amino acid conservation, physicochemical variation, residue mobility, and thermodynamic stability) performed at Invitae indicates that this missense variant is not expected to disrupt CNGB1 protein function. In summary, the available evidence is currently insufficient to determine the role of this variant in disease. Therefore, it has been classified as a Variant of Uncertain Significance.

Institute of Medical Molecular Genetics, University of Zurich
Classification: Likely pathogenic for Retinitis pigmentosa 45. Last evaluated: 2021-01-30. Review status: criteria provided, single submitter. Criteria: ACMG Guidelines, 2015. Collection method: clinical testing. Allele origin: unknown. Affected: yes.

Illumina Laboratory Services, Illumina
Classification: Uncertain significance for Retinitis pigmentosa. Last evaluated: 2017-04-27. Review status: criteria provided, single submitter. Criteria: ICSL Variant Classification Criteria 13 December 2019. Collection method: clinical testing. Allele origin: germline.
Comment: This variant was observed as part of a predisposition screen in an ostensibly healthy population. A literature search was performed for the gene, cDNA change, and amino acid change (where applicable). Publications were found based on this search. However, the evidence from the literature, in combination with allele frequency data from public databases where available, was not sufficient to rule this variant in or out of causing disease. Therefore, this variant is classified as a variant of unknown significance.

Payam Genetics Center, General Welfare Department of North Khorasan Province
Classification: Likely pathogenic for Retinitis pigmentosa 45. Last evaluated: 2023-01-01. Review status: no assertion criteria provided. Collection method: clinical testing. Allele origin: germline. Affected: no. Observed: 1 variant allele. Not counted in ClinVar's aggregate classification.

Literature cited by the submitters: PubMed 11379879 (cited by Illumina Laboratory Services, Illumina); PubMed 31931872 (cited by Payam Genetics Center, General Welfare Department of North Khorasan Province); PubMed 29597005 (cited by Payam Genetics Center, General Welfare Department of North Khorasan Province); PubMed 17032466 (cited by Payam Genetics Center, General Welfare Department of North Khorasan Province).